The following is an entry in ClinVar:

NM_001112726.3(CEP170B):c.3816T>G (p.Asp1272Glu)

Gene: CEP170B (centrosomal protein 170B; plus strand). Cytogenetic location: 14q32.33.
Variant type: single nucleotide variant.
Coding change: c.3816T>G on transcript NM_001112726.3 (MANE Select); coding-DNA position 3816, T replaced by G.
Protein change: p.Asp1272Glu; replaces aspartic acid 1272 with glutamic acid.
Molecular consequence: missense variant.
Genome position (GRCh38, 1-based): chr14:104,889,696, T>G. VCF-style: chr14-104889696-T-G. GRCh37 (hg19) VCF-style: chr14-105356033-T-G.
Other names: c.3711T>G, p.Asp1237Glu (NM_015005.3); short protein forms D1237E, D1272E.
Identifiers: ClinVar variation 3042550 (VCV003042550.2), dbSNP rs2083543, ClinGen allele CA7376267.

ClinVar aggregate classification (germline): Benign (0 of 4 stars; one submission).

Conditions:
CEP170B-related disorder. Also called: CEP170B-related condition.

Allele frequency attached by ClinVar (database versions not stated): ExAC 0.00139; ESP Exome Variant Server 0.00427; gnomAD 0.00434; TOPMed 0.00495; 1000 Genomes Project 30x 0.00625; 1000 Genomes Project 0.00639.
gnomAD v4.1: 1,245 of 1,611,950 alleles (0.077%); highest among the groups gnomAD compares: African/African-American, 1.5%; 11 homozygotes.

Submission:

PreventionGenetics, part of Exact Sciences
Classification: Benign for CEP170B-related condition. Last evaluated: 2019-09-25. Review status: no assertion criteria provided. Collection method: clinical testing. Allele origin: germline.
Comment: This variant is classified as benign based on ACMG/AMP sequence variant interpretation guidelines (Richards et al. 2015 PMID: 25741868, with internal and published modifications).